The following is an entry in ClinVar:

ClinVar aggregate classification (germline): Likely benign (1 of 4 stars; one submission).

Conditions:
DMD-related disorder. Also called: DMD-related condition.

gnomAD v4.1: 33 of 334,214 alleles (0.0099%); highest among the groups gnomAD compares: African/African-American, 0.071%; no homozygotes.

Submission:

PreventionGenetics, part of Exact Sciences
Classification: Likely benign for DMD-related condition. Last evaluated: 2025-06-10. Review status: criteria provided, single submitter. Criteria: ACMG Guidelines, 2015. Collection method: clinical testing. Allele origin: germline.
Comment: This variant is classified as likely benign based on ACMG/AMP sequence variant interpretation guidelines (Richards et al. 2015 PMID: 25741868, with internal and published modifications).

NM_004006.3(DMD):c.5739+366G>C

Gene: DMD (dystrophin; minus strand). Cytogenetic location: Xp21.1.
Variant type: single nucleotide variant.
Coding change: c.5739+366G>C on transcript NM_004006.3 (MANE Select); 366 bases into the intron after coding-DNA position 5739, G replaced by C.
Molecular consequence: intron variant.
Genome position (GRCh38, 1-based): chrX:32,342,768, C>G on the plus strand (G>C on the coding strand, the complement: DMD is on the minus strand). VCF-style: chrX-32342768-C-G. GRCh37 (hg19) VCF-style: chrX-32360885-C-G.
Other names: c.5715+366G>C (NM_000109.4); c.1716+366G>C (NM_004011.4); c.1707+366G>C (NM_004012.4); c.5727+366G>C (NM_004009.3); c.5370+366G>C (NM_004010.3).
Identifiers: ClinVar variation 4985542 (VCV004985542.1).